The following is an entry in ClinVar:

NM_001099289.3(SH3RF3):c.1987C>T (p.Arg663Trp)

Genes: RANBP2 (RAN binding protein 2; plus strand), SH3RF3 (SH3 domain containing ring finger 3; plus strand). Cytogenetic location: 2q13.
Variant type: single nucleotide variant.
Coding change: c.1987C>T on transcript NM_001099289.3 (MANE Select); coding-DNA position 1987, C replaced by T.
Protein change: p.Arg663Trp; replaces arginine 663 with tryptophan.
Molecular consequence: missense variant.
Genome position (GRCh38, 1-based): chr2:109,449,328, C>T. VCF-style: chr2-109449328-C-T. GRCh37 (hg19) VCF-style: chr2-110065784-C-T.
Other names: short protein forms R663W.
Identifiers: ClinVar variation 3161415 (VCV003161415.1), dbSNP rs373580159, ClinGen allele CA1825814.

ClinVar aggregate classification (germline): Uncertain significance (1 of 4 stars; one submission).

Allele frequency attached by ClinVar (database versions not stated): gnomAD exomes 0.00002; ExAC 0.00007; 1000 Genomes Project 30x 0.00016; TOPMed 0.00018; gnomAD 0.00019; 1000 Genomes Project 0.00020; ESP Exome Variant Server 0.00023.
gnomAD v4.1: 65 of 1,604,634 alleles (0.0041%); highest among the groups gnomAD compares: African/African-American, 0.051%; no homozygotes.

Submission:

Ambry Genetics
Classification: Uncertain significance. Last evaluated: 2024-02-21. Review status: criteria provided, single submitter. Criteria: Ambry Variant Classification Scheme 2023. Collection method: clinical testing. Allele origin: germline.
Comment: The c.1987C>T (p.R663W) alteration is located in exon (coding exon ) of the SH3RF3 gene. This alteration results from a C to T substitution at nucleotide position 1987, causing the arginine (R) at amino acid position 663 to be replaced by a tryptophan (W). Based on insufficient or conflicting evidence, the clinical significance of this alteration remains unclear.